The following is an entry in ClinVar:

NM_000321.3(RB1):c.731T>C (p.Ile244Thr)

Gene: RB1 (RB transcriptional corepressor 1; plus strand). Cytogenetic location: 13q14.2.
Variant type: single nucleotide variant.
Coding change: c.731T>C on transcript NM_000321.3 (MANE Select); coding-DNA position 731, T replaced by C.
Protein change: p.Ile244Thr; replaces isoleucine 244 with threonine.
Molecular consequence: missense variant.
Genome position (GRCh38, 1-based): chr13:48,362,827, T>C. VCF-style: chr13-48362827-T-C. GRCh37 (hg19) VCF-style: chr13-48936963-T-C.
Other names: short protein forms I244T.
Identifiers: ClinVar variation 458180 (VCV000458180.21), dbSNP rs147754935, ClinGen allele CA039420.

ClinVar aggregate classification (germline): Conflicting classifications of pathogenicity. Review status: criteria provided, conflicting classifications (1 of 4 stars). 6 submissions from 6 submitters: Uncertain significance (2); Benign (1); Likely benign (3). Last evaluated 2026-02-03.

Conditions:
Hereditary cancer-predisposing syndrome. Also called: Neoplastic Syndromes, Hereditary; Tumor predisposition; Hereditary Cancer Syndrome; Hereditary neoplastic syndrome. Identifiers: Orphanet 140162, MedGen C0027672, MeSH D009386, MONDO:0015356.
Retinoblastoma (RB1). Also called: RETINOBLASTOMA, SOMATIC. Identifiers: Orphanet 790, MedGen C0035335, MeSH D012175, MONDO:0008380, OMIM 180200, HP:0009919. Disease mechanism: loss of function. Inheritance: Both sporadic and heritable forms are tested..

Allele frequency attached by ClinVar (database versions not stated): ExAC 0.00002; gnomAD exomes 0.00002 and 0.00005; TOPMed 0.00002; gnomAD 0.00004; ESP Exome Variant Server 0.00023.
gnomAD v4.1: 74 of 1,613,578 alleles (0.0046%); highest among the groups gnomAD compares: Non-Finnish European, 0.0062%; no homozygotes.

Submissions (6):

Labcorp Genetics (formerly Invitae), Labcorp
Classification: Benign for Retinoblastoma. Last evaluated: 2026-02-03. Review status: criteria provided, single submitter. Criteria: Invitae Variant Classification Sherloc (09022015). Collection method: clinical testing. Allele origin: germline.

GeneDx
Classification: Uncertain significance. Last evaluated: 2024-02-11. Review status: criteria provided, single submitter. Criteria: GeneDx Variant Classification Process June 2021. Collection method: clinical testing. Allele origin: germline. Affected: yes.
Comment: Not observed at significant frequency in large population cohorts (gnomAD); In silico analysis supports that this missense variant does not alter protein structure/function; Has not been previously published as pathogenic or benign to our knowledge; This variant is associated with the following publications: (PMID: 23516486, 35001307)

All of Us Research Program, National Institutes of Health
Classification: Likely benign for Retinoblastoma. Last evaluated: 2023-06-15. Review status: criteria provided, single submitter. Criteria: ACMG Guidelines, 2015. Collection method: clinical testing. Allele origin: germline. Inheritance: Autosomal dominant inheritance. Observed: 2 variant alleles, 2 heterozygotes.
Comment: This study involves interpretation of variants in research participants for the purpose of population health screening. Participant phenotype was not available at the time of variant classification. Additional details can be found in publication PMID: 35346344, PMCID: PMC8962531

Ambry Genetics
Classification: Likely benign for Hereditary cancer-predisposing syndrome. Last evaluated: 2023-01-06. Review status: criteria provided, single submitter. Criteria: Ambry Variant Classification Scheme 2023. Collection method: clinical testing. Allele origin: germline.

Color Diagnostics, LLC DBA Color Health
Classification: Likely benign for Retinoblastoma. Last evaluated: 2022-04-26. Review status: criteria provided, single submitter. Criteria: ACMG Guidelines, 2015. Collection method: clinical testing. Allele origin: germline.

St. Jude Molecular Pathology, St. Jude Children's Research Hospital
Classification: Uncertain significance for Retinoblastoma. Last evaluated: 2016-10-12. Review status: criteria provided, single submitter. Criteria: ACMG Guidelines, 2015. Collection method: clinical testing. Allele origin: germline. Affected: yes.